The following is an entry in ClinVar:

NM_005862.3(STAG1):c.29+9T>C

Gene: STAG1 (STAG1 cohesin complex component; minus strand). Cytogenetic location: 3q22.3.
Variant type: single nucleotide variant.
Coding change: c.29+9T>C on transcript NM_005862.3 (MANE Select); 9 bases into the intron after coding-DNA position 29, T replaced by C.
Molecular consequence: intron variant.
Genome position (GRCh38, 1-based): chr3:136,630,861, A>G on the plus strand (T>C on the coding strand, the complement: STAG1 is on the minus strand). VCF-style: chr3-136630861-A-G. GRCh37 (hg19) VCF-style: chr3-136349703-A-G.
Identifiers: ClinVar variation 3698431 (VCV003698431.4).

ClinVar aggregate classification (germline): Conflicting classifications of pathogenicity. Review status: criteria provided, conflicting classifications (1 of 4 stars). 2 submissions from 2 submitters: Uncertain significance (1); Likely benign (1). Last evaluated 2024-12-10.

Submissions (2):

Dasa
Classification: Uncertain significance. Last evaluated: 2024-12-10. Review status: criteria provided, single submitter. Criteria: DASA Assertion Criteria. Collection method: clinical testing. Allele origin: germline.
Comment: NM_005862.3(STAG1):c.29+9T>C is a splice-region variant. This variant is rare in population databases. Computational prediction algorithms are consistent with a benign effect. The currently available literature and clinical evidence are not sufficient to establish a definitive association between this variant and the reported condition. Therefore, this variant is classified as a variant of uncertain significance.

Labcorp Genetics (formerly Invitae), Labcorp
Classification: Likely benign. Last evaluated: 2024-10-30. Review status: criteria provided, single submitter. Criteria: Invitae Variant Classification Sherloc (09022015). Collection method: clinical testing. Allele origin: germline.